The following is an entry in ClinVar:

NM_001312909.2(FAM111A):c.1597G>T (p.Asp533Tyr)

Gene: FAM111A (FAM111 trypsin like peptidase A; plus strand). Cytogenetic location: 11q12.1.
Variant type: single nucleotide variant.
Coding change: c.1597G>T on transcript NM_001312909.2 (MANE Select); coding-DNA position 1597, G replaced by T.
Protein change: p.Asp533Tyr; replaces aspartic acid 533 with tyrosine.
Molecular consequence: missense variant.
Genome position (GRCh38, 1-based): chr11:59,153,265, G>T. VCF-style: chr11-59153265-G-T. GRCh37 (hg19) VCF-style: chr11-58920738-G-T.
Other names: c.1597G>T, p.Asp533Tyr (NM_001142519.3, NM_001142520.3, NM_001142521.3 and 29 more transcripts); short protein forms D533Y.
Identifiers: ClinVar variation 3675224 (VCV003675224.2).

ClinVar aggregate classification (germline): Uncertain significance (1 of 4 stars; one submission).

gnomAD v4.1: 3 of 1,614,146 alleles (0.00019%); highest among the groups gnomAD compares: Admixed American, 0.005%; no homozygotes.

Submission:

Labcorp Genetics (formerly Invitae), Labcorp
Classification: Uncertain significance. Last evaluated: 2024-04-25. Review status: criteria provided, single submitter. Criteria: Invitae Variant Classification Sherloc (09022015). Collection method: clinical testing. Allele origin: germline.
Comment: This sequence change replaces aspartic acid, which is acidic and polar, with tyrosine, which is neutral and polar, at codon 533 of the FAM111A protein (p.Asp533Tyr). This variant is present in population databases (no rsID available, gnomAD 0.009%). This variant has not been reported in the literature in individuals affected with FAM111A-related conditions. Advanced modeling of protein sequence and biophysical properties (such as structural, functional, and spatial information, amino acid conservation, physicochemical variation, residue mobility, and thermodynamic stability) performed at Invitae indicates that this missense variant is expected to disrupt FAM111A protein function with a positive predictive value of 80%. In summary, the available evidence is currently insufficient to determine the role of this variant in disease. Therefore, it has been classified as a Variant of Uncertain Significance.